The following is an entry in ClinVar:

ClinVar aggregate classification (germline): Uncertain significance (1 of 4 stars; one submission).

Submission:

Labcorp Genetics (formerly Invitae), Labcorp
Classification: Uncertain significance. Last evaluated: 2024-03-04. Review status: criteria provided, single submitter. Criteria: Invitae Variant Classification Sherloc (09022015). Collection method: clinical testing. Allele origin: germline.
Comment: This sequence change replaces tyrosine, which is neutral and polar, with serine, which is neutral and polar, at codon 532 of the FAM111A protein (p.Tyr532Ser). This variant is present in population databases (rs141315356, gnomAD 0.003%). This variant has not been reported in the literature in individuals affected with FAM111A-related conditions. ClinVar contains an entry for this variant (Variation ID: 1957356). Advanced modeling of protein sequence and biophysical properties (such as structural, functional, and spatial information, amino acid conservation, physicochemical variation, residue mobility, and thermodynamic stability) has been performed at Invitae for this missense variant, however the output from this modeling did not meet the statistical confidence thresholds required to predict the impact of this variant on FAM111A protein function. In summary, the available evidence is currently insufficient to determine the role of this variant in disease. Therefore, it has been classified as a Variant of Uncertain Significance.

NM_001312909.2(FAM111A):c.1595A>C (p.Tyr532Ser)

Gene: FAM111A (FAM111 trypsin like peptidase A; plus strand). Cytogenetic location: 11q12.1.
Variant type: single nucleotide variant.
Coding change: c.1595A>C on transcript NM_001312909.2 (MANE Select); coding-DNA position 1595, A replaced by C.
Protein change: p.Tyr532Ser; replaces tyrosine 532 with serine.
Molecular consequence: missense variant.
Genome position (GRCh38, 1-based): chr11:59,153,263, A>C. VCF-style: chr11-59153263-A-C. GRCh37 (hg19) VCF-style: chr11-58920736-A-C.
Other names: c.1595A>C, p.Tyr532Ser (NM_001142519.3, NM_001142520.3, NM_001142521.3 and 29 more transcripts); short protein forms Y532S.
Identifiers: ClinVar variation 1957356 (VCV001957356.5), dbSNP rs141315356, ClinGen allele CA6016790.